The following is an entry in ClinVar:

NM_006648.4(WNK2):c.6476A>T (p.Glu2159Val)

Gene: WNK2 (WNK lysine deficient protein kinase 2; plus strand). Cytogenetic location: 9q22.31.
Variant type: single nucleotide variant.
Coding change: c.6476A>T on transcript NM_006648.4 (MANE Select); coding-DNA position 6476, A replaced by T.
Protein change: p.Glu2159Val; replaces glutamic acid 2159 with valine.
Molecular consequence: missense variant.
Genome position (GRCh38, 1-based): chr9:93,308,544, A>T. VCF-style: chr9-93308544-A-T. GRCh37 (hg19) VCF-style: chr9-96070826-A-T.
Other names: c.6587A>T, p.Glu2196Val (NM_001282394.3); short protein forms E2159V, E2196V.
Identifiers: ClinVar variation 3470704 (VCV003470704.1).
Genomic context (GRCh38, chr9:93,308,544, plus strand): 5'-CCGCGCAGCTGAAGCCCACGCTCAACCAGCTGAAGCAGACCCAGAAGCTGCAAGACATGG[A>T]GGCCCAGGCAGGCTGGGCTGCCCCTGGCGAGGCGCGGGCTGTGAGTGCGGGGCGGGTGGG-3'
Protein context (NP_006639.3, residues 2149-2169): LKQTQKLQDM[Glu2159Val]AQAGWAAPGE

ClinVar aggregate classification (germline): Uncertain significance (1 of 4 stars; one submission).

gnomAD v4.1: 2 of 1,589,526 alleles (0.00013%); highest among the groups gnomAD compares: Admixed American, 0.0017%; no homozygotes.

Submission:

Ambry Genetics
Classification: Uncertain significance. Last evaluated: 2024-12-10. Review status: criteria provided, single submitter. Criteria: Ambry Variant Classification Scheme 2023. Collection method: clinical testing. Allele origin: germline.
Comment: The p.E2159V variant (also known as c.6476A>T), located in coding exon 27 of the WNK2 gene, results from an A to T substitution at nucleotide position 6476. The glutamic acid at codon 2159 is replaced by valine, an amino acid with dissimilar properties. This amino acid position is conserved. In addition, the in silico prediction for this alteration is inconclusive. Based on the available evidence, the clinical significance of this variant remains unclear.